The following is an entry in ClinVar:

NM_001368894.2(PAX6):c.114dup (p.Pro39fs)

Gene: PAX6 (paired box 6; minus strand). Cytogenetic location: 11p13.
Variant type: Duplication.
Coding change: c.114dup on transcript NM_001368894.2 (MANE Select); coding-DNA position 114, one base duplicated (G; older notation c.114dupG).
Protein change: p.Pro39fs; shifts the reading frame from proline 39.
Molecular consequence: frameshift variant. On other transcripts: 5 prime UTR variant (12), non-coding transcript variant (2), intron variant (2).
Genome position (GRCh38, 1-based): chr11:31,802,731, C duplicated on the plus strand (G on the coding strand, the reverse complement: PAX6 is on the minus strand); the first of 2 consecutive C bases (chr11:31,802,731-31,802,732); duplicating either gives the same sequence. VCF-style (leftmost placement, unchanged base first): chr11-31802730-G-GC. GRCh37 (hg19) VCF-style: chr11-31824278-G-GC.
Other names: c.114dup, p.Pro39fs (NM_000280.6, NM_001127612.3, NM_001258462.3 and 30 more transcripts); c.-668dup (NM_001310160.2, NM_001368905.2); c.-337dup (NM_001310161.3, NM_001368900.2, NM_001368903.2 and 2 more transcripts); c.-295dup (NM_001368899.2, NM_001368901.2, NM_001368906.2 and 1 more transcripts); c.-626dup (NM_001368902.2); c.357dup, p.Pro120fs (NM_001368910.2); c.117dup, p.Pro40fs (NM_001368911.2); c.-267-955dup (NM_001368909.2, NM_001368904.2); and 1 more; short protein forms P40fs, P120fs, P39fs.
Identifiers: ClinVar variation 567776 (VCV000567776.8), dbSNP rs1565245598, ClinGen allele CA891842469.
Genomic context (GRCh38, chr11:31,802,730, plus strand): 5'-GGGGCGGCGAGTGGGGCGGCGCCGGGAGGATCACCTGCAGAATTCGGGAAATGTCGCACG[G>GC]CCGGGCCCCGCTGTGAGCTAGCTCTACAATCTTCTGCCGGGTGGAGTCCGGCAGTGGCCG-3'

ClinVar aggregate classification (germline): Pathogenic. Review status: criteria provided, single submitter (1 of 4 stars). 2 submissions from 2 submitters: Pathogenic (1). 1 of the submissions does not count toward it. Last evaluated 2018-01-04.

Conditions:
Aniridia 1 (AN1). Identifiers: Orphanet 250923, MedGen C0344542, MONDO:0024507, OMIM 106210.
Irido-corneo-trabecular dysgenesis (ASGD5). Also called: ANTERIOR SEGMENT DYSGENESIS 5. Identifiers: Orphanet 708, MedGen C0344559, MONDO:0011414, OMIM 604229, HP:0000659.

Submissions (2):

Labcorp Genetics (formerly Invitae), Labcorp
Classification: Pathogenic for Aniridia 1; Irido-corneo-trabecular dysgenesis. Last evaluated: 2018-01-04. Review status: criteria provided, single submitter. Criteria: Invitae Variant Classification Sherloc (09022015). Collection method: clinical testing. Allele origin: germline.
Comment: This sequence change creates a premature translational stop signal (p.Pro39Alafs*17) in the PAX6 gene. It is expected to result in an absent or disrupted protein product. This variant is not present in population databases (ExAC no frequency). This variant has not been reported in the literature in individuals with PAX6-related disease. Loss-of-function variants in PAX6 are known to be pathogenic (PMID: 12634864). For these reasons, this variant has been classified as Pathogenic.

Wessex Regional Genetics Laboratory, Salisbury District Hospital
Classification: Pathogenic for Aniridia 1. Last evaluated: 2019-08-15. Review status: no assertion criteria provided. Criteria: ACMG Guidelines, 2015. Collection method: clinical testing. Allele origin: de novo. Inheritance: Autosomal dominant inheritance. Affected: yes. Not counted in ClinVar's aggregate classification.

Literature cited by the submitters: PubMed 12634864 (cited by Labcorp Genetics (formerly Invitae), Labcorp).